The following is an entry in ClinVar:

NM_002098.6(GUCA1B):c.358-1G>A

Gene: GUCA1B (guanylate cyclase activator 1B; minus strand). Cytogenetic location: 6p21.1.
Variant type: single nucleotide variant.
Coding change: c.358-1G>A on transcript NM_002098.6 (MANE Select); the canonical splice acceptor site of the intron before coding-DNA position 358, G replaced by A.
Molecular consequence: splice acceptor variant.
Genome position (GRCh38, 1-based): chr6:42,185,798, C>T on the plus strand (G>A on the coding strand, the complement: GUCA1B is on the minus strand). VCF-style: chr6-42185798-C-T. GRCh37 (hg19) VCF-style: chr6-42153536-C-T.
Identifiers: ClinVar variation 3702324 (VCV003702324.2).

ClinVar aggregate classification (germline): Uncertain significance (1 of 4 stars; one submission).

gnomAD v4.1: 8 of 1,598,204 alleles (0.0005%); highest among the groups gnomAD compares: Non-Finnish European, 0.00069%; no homozygotes.

Submission:

Labcorp Genetics (formerly Invitae), Labcorp
Classification: Uncertain significance. Last evaluated: 2024-01-25. Review status: criteria provided, single submitter. Criteria: Invitae Variant Classification Sherloc (09022015). Collection method: clinical testing. Allele origin: germline.
Comment: This sequence change affects an acceptor splice site in intron 2 of the GUCA1B gene. It is expected to disrupt RNA splicing. Variants that disrupt the donor or acceptor splice site typically lead to a loss of protein function (PMID: 16199547), however the current clinical and genetic evidence is not sufficient to establish whether loss-of-function variants in GUCA1B cause disease. This variant is not present in population databases (gnomAD no frequency). This variant has not been reported in the literature in individuals affected with GUCA1B-related conditions. Algorithms developed to predict the effect of sequence changes on RNA splicing suggest that this variant may disrupt the consensus splice site. In summary, the available evidence is currently insufficient to determine the role of this variant in disease. Therefore, it has been classified as a Variant of Uncertain Significance.

Literature cited by the submitters: PubMed 16199547.